The following is an entry in ClinVar:

ClinVar aggregate classification (germline): Likely benign. Review status: criteria provided, multiple submitters, no conflicts (2 of 4 stars). 2 submissions from 2 submitters: Likely benign (2). Last evaluated 2024-12-01.

Allele frequency attached by ClinVar (database versions not stated): TOPMed below 0.00001; ExAC 0.00001; gnomAD exomes 0.00001.
gnomAD v4.1: 15 of 1,564,420 alleles (0.00096%); highest among the groups gnomAD compares: African/African-American, 0.0027%; no homozygotes.

Submissions (2):

CeGaT Center for Human Genetics Tuebingen
Classification: Likely benign. Last evaluated: 2024-12-01. Review status: criteria provided, single submitter. Criteria: CeGaT Center For Human Genetics Tuebingen Variant Classification Criteria Version 2. Collection method: clinical testing. Allele origin: germline. Affected: yes. Observed: 1 variant allele.
Comment: TNFAIP3: BP4, BP7

Labcorp Genetics (formerly Invitae), Labcorp
Classification: Likely benign. Last evaluated: 2020-11-04. Review status: criteria provided, single submitter. Criteria: Invitae Variant Classification Sherloc (09022015). Collection method: clinical testing. Allele origin: germline.

NM_001270508.2(TNFAIP3):c.2340C>T (p.Asn780=)

Gene: TNFAIP3 (TNF alpha induced protein 3; plus strand). Cytogenetic location: 6q23.3.
Variant type: single nucleotide variant.
Coding change: c.2340C>T on transcript NM_001270508.2 (MANE Select); coding-DNA position 2340, C replaced by T.
Protein change: p.Asn780=; no amino-acid change (asparagine 780 retained).
Molecular consequence: synonymous variant.
Genome position (GRCh38, 1-based): chr6:137,881,286, C>T. VCF-style: chr6-137881286-C-T. GRCh37 (hg19) VCF-style: chr6-138202423-C-T.
Other names: c.2340C>T, p.Asn780= (NM_001270507.2, NM_006290.4).
Identifiers: ClinVar variation 1648231 (VCV001648231.21), dbSNP rs754627876, ClinGen allele CA4019847.
Genomic context (GRCh38, chr6:137,881,286, plus strand): 5'-GCGTTGCCGGGCCCCCGCCTGTGATCATTTTGGCAATGCCAAGTGCAACGGCTACTGCAA[C>T]GAATGCTTTCAGTTCAAGCAGATGTATGGCTAACCGGAAACAGGTGGGTCACCTCCTGCA-3'
Protein context (NP_001257437.1, residues 770-790): FGNAKCNGYC[Asn780=]ECFQFKQMYG